The following is an entry in ClinVar:

ClinVar aggregate classification (germline): Pathogenic (1 of 4 stars; one submission).

Conditions:
Ornithine aminotransferase deficiency (GACR). Also called: HYPERORNITHINEMIA WITH GYRATE ATROPHY OF CHOROID AND RETINA; OAT DEFICIENCY; OKT DEFICIENCY; Ornithine ketoacid aminotransferase deficiency; Gyrate atrophy; Gyrate atrophy of choroid and retina. Identifiers: Orphanet 414, MedGen C0018425, MONDO:0009796, OMIM 258870.

Submission:

Myriad Genetics, Inc.
Classification: Pathogenic for Ornithine aminotransferase deficiency. Last evaluated: 2024-05-14. Review status: criteria provided, single submitter. Criteria: Myriad Autosomal Dominant, Autosomal Recessive and X-Linked Classification Criteria (2023). Collection method: clinical testing. Allele origin: unknown.
Comment: NM_000274.3(OAT):c.727_728ins13(P243Lfs*25) is expected to be pathogenic in the context of ornithine aminotransferase deficiency. This variant is predicted to lead to an abnormal or absent protein product due to the creation of a premature termination codon in OAT, a gene where loss-of-function variants are known to be pathogenic. Please note: this variant was assessed in the context of healthy population screening.

NM_000274.4(OAT):c.727_728insTGTCTCTTATACA (p.Pro243fs)

Genes: OAT (ornithine aminotransferase; minus strand), LOC121815974 (Sharpr-MPRA regulatory region 15365; plus strand). Cytogenetic location: 10q26.13.
Variant type: Insertion.
Coding change: c.727_728insTGTCTCTTATACA on transcript NM_000274.4 (MANE Select); coding-DNA positions 727 to 728, TGTCTCTTATACA inserted.
Protein change: p.Pro243fs; shifts the reading frame from proline 243.
Molecular consequence: frameshift variant.
Genome position: GRCh38 VCF-style: chr10-124403841-G-GTGTATAAGAGACA. GRCh37 (hg19) VCF-style: chr10-126092410-G-GTGTATAAGAGACA.
Other names: c.313_314insTGTCTCTTATACA, p.Pro105fs (NM_001171814.2); c.727_728insTGTCTCTTATACA, p.Pro243fs (NM_001322965.2, NM_001322966.2, NM_001322967.2 and 3 more transcripts); c.406_407insTGTCTCTTATACA, p.Pro136fs (NM_001322971.2); c.127_128insTGTCTCTTATACA, p.Pro43fs (NM_001322974.2); short protein forms P105fs, P136fs, P243fs, P43fs.
Identifiers: ClinVar variation 5010415 (VCV005010415.1).